The following is an entry in ClinVar:

ClinVar aggregate classification (germline): Benign/Likely benign. Review status: criteria provided, multiple submitters, no conflicts (2 of 4 stars). 2 submissions from 2 submitters: Benign (1); Likely benign (1). Last evaluated 2023-03-15.

Allele frequency attached by ClinVar (database versions not stated): ExAC 0.00081; 1000 Genomes Project 0.00280; gnomAD exomes 0.00335; 1000 Genomes Project 30x 0.00344; TOPMed 0.00345; gnomAD 0.00368.

Submissions (2):

Blueprint Genetics
Classification: Likely benign. Last evaluated: 2023-03-15. Review status: criteria provided, single submitter. Criteria: ACMG Guidelines, 2015. Collection method: clinical testing. Allele origin: germline.

CeGaT Center for Human Genetics Tuebingen
Classification: Benign. Last evaluated: 2022-06-01. Review status: criteria provided, single submitter. Criteria: CeGaT Center For Human Genetics Tuebingen Variant Classification Criteria Version 2. Collection method: clinical testing. Allele origin: germline. Affected: yes. Observed: 1 variant allele.
Comment: CAPN5: BS1, BS2

NM_004055.5(CAPN5):c.165+2904C>T

Gene: CAPN5 (calpain 5; plus strand). Cytogenetic location: 11q13.5.
Variant type: single nucleotide variant.
Coding change: c.165+2904C>T on transcript NM_004055.5 (MANE Select); 2904 bases into the intron after coding-DNA position 165, C replaced by T.
Molecular consequence: intron variant. On other transcripts: missense variant (1).
Genome position (GRCh38, 1-based): chr11:77,087,955, C>T. VCF-style: chr11-77087955-C-T. GRCh37 (hg19) VCF-style: chr11-76799001-C-T.
Other names: c.179C>T, p.Ser60Leu (NM_001425321.1); short protein forms S60L.
Identifiers: ClinVar variation 2642176 (VCV002642176.25), dbSNP rs80069522, ClinGen allele CA6196157.